The following is an entry in ClinVar:

ClinVar aggregate classification (germline): Uncertain significance (1 of 4 stars; one submission).

Conditions:
Hereditary spastic paraplegia 28. Also called: Spastic paraplegia 28, autosomal recessive. Identifiers: Orphanet 101008, MedGen C1836295, MONDO:0012256, OMIM 609340.

Allele frequency attached by ClinVar (database versions not stated): gnomAD 0.00001; gnomAD exomes 0.00001; TOPMed 0.00001.
gnomAD v4.1: 12 of 1,613,446 alleles (0.00074%); highest among the groups gnomAD compares: African/African-American, 0.0013%; no homozygotes.

Submission:

Labcorp Genetics (formerly Invitae), Labcorp
Classification: Uncertain significance for Hereditary spastic paraplegia 28. Last evaluated: 2022-03-28. Review status: criteria provided, single submitter. Criteria: Invitae Variant Classification Sherloc (09022015). Collection method: clinical testing. Allele origin: germline.
Comment: In summary, the available evidence is currently insufficient to determine the role of this variant in disease. Therefore, it has been classified as a Variant of Uncertain Significance. Algorithms developed to predict the effect of missense changes on protein structure and function are either unavailable or do not agree on the potential impact of this missense change (SIFT: "Tolerated"; PolyPhen-2: "Possibly Damaging"; Align-GVGD: "Class C0"). This variant has not been reported in the literature in individuals affected with DDHD1-related conditions. This variant is present in population databases (no rsID available, gnomAD 0.004%). This sequence change replaces arginine, which is basic and polar, with cysteine, which is neutral and slightly polar, at codon 642 of the DDHD1 protein (p.Arg642Cys).

NM_001160148.2(DDHD1):c.1903C>T (p.Arg635Cys)

Gene: DDHD1 (DDHD domain containing 1; minus strand). Cytogenetic location: 14q22.1.
Variant type: single nucleotide variant.
Coding change: c.1903C>T on transcript NM_001160148.2 (MANE Select); coding-DNA position 1903, C replaced by T.
Protein change: p.Arg635Cys; replaces arginine 635 with cysteine.
Molecular consequence: missense variant.
Genome position (GRCh38, 1-based): chr14:53,058,566, G>A on the plus strand (C>T on the coding strand, the complement: DDHD1 is on the minus strand). VCF-style: chr14-53058566-G-A. GRCh37 (hg19) VCF-style: chr14-53525284-G-A.
Other names: c.1924C>T, p.Arg642Cys (NM_001160147.2); c.1903C>T, p.Arg635Cys (NM_030637.3); short protein forms R642C, R635C.
Identifiers: ClinVar variation 2138939 (VCV002138939.4), dbSNP rs1258669542, ClinGen allele CA389772615.